The following is an entry in ClinVar:

NM_000091.5(COL4A3):c.2011G>C (p.Gly671Arg)

Genes: MFF-DT (MFF divergent transcript; minus strand), COL4A3 (collagen type IV alpha 3 chain; plus strand). Cytogenetic location: 2q36.3.
Variant type: single nucleotide variant.
Coding change: c.2011G>C on transcript NM_000091.5 (MANE Select); coding-DNA position 2011, G replaced by C.
Protein change: p.Gly671Arg; replaces glycine 671 with arginine.
Molecular consequence: missense variant.
Genome position (GRCh38, 1-based): chr2:227,276,468, G>C. VCF-style: chr2-227276468-G-C. GRCh37 (hg19) VCF-style: chr2-228141184-G-C.
Other names: short protein forms G671R.
Identifiers: ClinVar variation 3586039 (VCV003586039.3).

ClinVar aggregate classification (germline): Conflicting classifications of pathogenicity. Review status: criteria provided, conflicting classifications (1 of 4 stars). 2 submissions from 2 submitters: Likely pathogenic (1); Uncertain significance (1). Last evaluated 2024-12-10.

Conditions:
Autosomal dominant Alport syndrome (ATS3A). Also called: Alport syndrome dominant type; Renal failure and sensorineural hearing loss; ALPORT SYNDROME 3A, AUTOSOMAL DOMINANT. Identifiers: Orphanet 63, Orphanet 88918, MedGen C5882663, MONDO:0007086, OMIM 104200.
Hematuria, benign familial, 2 (BFH2). Identifiers: MedGen C5830421, MONDO:0958186, OMIM 620320.
Alport syndrome 3b, autosomal recessive. Identifiers: MedGen C5882699, MONDO:0957811, OMIM 620536.

Submissions (2):

Labcorp Genetics (formerly Invitae), Labcorp
Classification: Uncertain significance. Last evaluated: 2024-12-10. Review status: criteria provided, single submitter. Criteria: Invitae Variant Classification Sherloc (09022015). Collection method: clinical testing. Allele origin: germline.
Comment: This sequence change replaces glycine, which is neutral and non-polar, with arginine, which is basic and polar, at codon 671 of the COL4A3 protein (p.Gly671Arg). This variant is not present in population databases (gnomAD no frequency). This variant has not been reported in the literature in individuals affected with COL4A3-related conditions. Invitae Evidence Modeling of protein sequence and biophysical properties (such as structural, functional, and spatial information, amino acid conservation, physicochemical variation, residue mobility, and thermodynamic stability) indicates that this missense variant is expected to disrupt COL4A3 protein function with a positive predictive value of 80%. In summary, the available evidence is currently insufficient to determine the role of this variant in disease. Therefore, it has been classified as a Variant of Uncertain Significance.

Fulgent Genetics
Classification: Likely pathogenic for Autosomal dominant Alport syndrome; Hematuria, benign familial, 2; Alport syndrome 3b, autosomal recessive. Last evaluated: 2023-12-22. Review status: criteria provided, single submitter. Criteria: ACMG Guidelines, 2015. Collection method: clinical testing. Allele origin: germline.